The following is an entry in ClinVar:

NM_001369.3(DNAH5):c.1717A>C (p.Lys573Gln)

Gene: DNAH5 (dynein axonemal heavy chain 5; minus strand). Cytogenetic location: 5p15.2.
Variant type: single nucleotide variant.
Coding change: c.1717A>C on transcript NM_001369.3 (MANE Select); coding-DNA position 1717, A replaced by C.
Protein change: p.Lys573Gln; replaces lysine 573 with glutamine.
Molecular consequence: missense variant.
Genome position (GRCh38, 1-based): chr5:13,902,066, T>G on the plus strand (A>C on the coding strand, the complement: DNAH5 is on the minus strand). VCF-style: chr5-13902066-T-G. GRCh37 (hg19) VCF-style: chr5-13902175-T-G.
Other names: c.1717A>C (NM_001369.2); short protein forms K573Q.
Identifiers: ClinVar variation 2914942 (VCV002914942.4), dbSNP rs776722304, ClinGen allele CA3204762.

ClinVar aggregate classification (germline): Conflicting classifications of pathogenicity. Review status: criteria provided, conflicting classifications (1 of 4 stars). 2 submissions from 2 submitters: Uncertain significance (1); Likely benign (1). Last evaluated 2024-02-05.

Conditions:
Primary ciliary dyskinesia. Also called: Ciliary dyskinesia. Identifiers: Orphanet 244, MedGen C0008780, MONDO:0016575, HP:0012265.

Allele frequency attached by ClinVar (database versions not stated): ExAC 0.00001; gnomAD exomes 0.00001.
gnomAD v4.1: 8 of 1,603,102 alleles (0.0005%); highest among the groups gnomAD compares: South Asian, 0.0089%; no homozygotes.

Submissions (2):

Labcorp Genetics (formerly Invitae), Labcorp
Classification: Likely benign for Primary ciliary dyskinesia. Last evaluated: 2024-02-05. Review status: criteria provided, single submitter. Criteria: Invitae Variant Classification Sherloc (09022015). Collection method: clinical testing. Allele origin: germline.

Ambry Genetics
Classification: Uncertain significance for Primary ciliary dyskinesia. Last evaluated: 2023-03-03. Review status: criteria provided, single submitter. Criteria: Ambry Variant Classification Scheme 2023. Collection method: clinical testing. Allele origin: germline.
Comment: The p.K573Q variant (also known as c.1717A>C), located in coding exon 13 of the DNAH5 gene, results from an A to C substitution at nucleotide position 1717. The lysine at codon 573 is replaced by glutamine, an amino acid with similar properties. This amino acid position is conserved. In addition, this alteration is predicted to be tolerated by in silico analysis. Since supporting evidence is limited at this time, the clinical significance of this alteration remains unclear.